The following is an entry in ClinVar:

NM_033028.5(BBS4):c.929del (p.Leu310fs)

Gene: BBS4 (Bardet-Biedl syndrome 4; plus strand). Cytogenetic location: 15q24.1.
Variant type: Deletion.
Coding change: c.929del on transcript NM_033028.5 (MANE Select); coding-DNA position 929, one base deleted (T; older notation c.929delT).
Protein change: p.Leu310fs; shifts the reading frame from leucine 310.
Molecular consequence: frameshift variant. On other transcripts: non-coding transcript variant (2).
Genome position (GRCh38, 1-based): chr15:72,731,619, T deleted; the last of 3 consecutive T bases (chr15:72,731,617-72,731,619); deleting any one gives the same sequence. VCF-style (leftmost placement, unchanged base first): chr15-72731616-AT-A. GRCh37 (hg19) VCF-style: chr15-73023957-AT-A.
Other names: c.413del, p.Leu138fs (NM_001252678.2); c.860del, p.Leu287fs (NM_001320665.2); short protein forms L138fs, L287fs, L310fs.
Identifiers: ClinVar variation 1075982 (VCV001075982.9), dbSNP rs889012564, ClinGen allele CA272645573.

ClinVar aggregate classification (germline): Pathogenic/Likely pathogenic. Review status: criteria provided, multiple submitters, no conflicts (2 of 4 stars). 2 submissions from 2 submitters: Pathogenic (1); Likely pathogenic (1). Last evaluated 2023-08-10.

Conditions:
Bardet-Biedl syndrome (BBS). Identifiers: Orphanet 110, MedGen C0752166, MONDO:0015229.
Bardet-Biedl syndrome 4 (BBS4). Identifiers: Orphanet 110, MedGen C2936864, MONDO:0014433, OMIM 615982.

Submissions (2):

Labcorp Genetics (formerly Invitae), Labcorp
Classification: Pathogenic for Bardet-Biedl syndrome. Last evaluated: 2023-08-10. Review status: criteria provided, single submitter. Criteria: Invitae Variant Classification Sherloc (09022015). Collection method: clinical testing. Allele origin: germline.
Comment: This sequence change creates a premature translational stop signal (p.Leu310Trpfs*6) in the BBS4 gene. It is expected to result in an absent or disrupted protein product. Loss-of-function variants in BBS4 are known to be pathogenic (PMID: 11381270, 12016587, 20177705, 27894351). This variant is not present in population databases (gnomAD no frequency). This variant has not been reported in the literature in individuals affected with BBS4-related conditions. ClinVar contains an entry for this variant (Variation ID: 1075982). For these reasons, this variant has been classified as Pathogenic.

Revvity Omics, Revvity
Classification: Likely pathogenic for Bardet-Biedl syndrome 4. Last evaluated: 2022-01-30. Review status: criteria provided, single submitter. Criteria: ACMG Guidelines, 2015. Collection method: clinical testing. Allele origin: germline.

Literature cited by the submitters: PubMed 11381270 (cited by Labcorp Genetics (formerly Invitae), Labcorp); PubMed 12016587 (cited by Labcorp Genetics (formerly Invitae), Labcorp); PubMed 20177705 (cited by Labcorp Genetics (formerly Invitae), Labcorp); PubMed 27894351 (cited by Labcorp Genetics (formerly Invitae), Labcorp).